The following is an entry in ClinVar:

ClinVar aggregate classification (germline): Conflicting classifications of pathogenicity. Review status: criteria provided, conflicting classifications (1 of 4 stars). 4 submissions from 4 submitters: Uncertain significance (3); Likely benign (1). Last evaluated 2023-03-23.

Conditions:
Hereditary cancer-predisposing syndrome. Also called: Tumor predisposition; Hereditary Cancer Syndrome; Hereditary neoplastic syndrome; Neoplastic Syndromes, Hereditary. Identifiers: Orphanet 140162, MedGen C0027672, MeSH D009386, MONDO:0015356.
Hereditary breast ovarian cancer syndrome. Also called: Breast and ovarian cancer; Hereditary breast and ovarian cancer; Hereditary breast and/or ovarian cancer syndrome; BRCA1- and BRCA2-Associated Hereditary Breast and Ovarian Cancer; Hereditary breast and ovarian cancer syndrome (HBOC); Hereditary breast and ovarian cancer syndrome. Identifiers: Orphanet 145, MedGen C0677776, MeSH D061325, MONDO:0003582. Disease mechanism: loss of function.

gnomAD v4.1: 1 of 1,613,866 alleles (0.000062%); highest among the groups gnomAD compares: Non-Finnish European, 0.000085%; no homozygotes.

Submissions (4):

University of Washington Department of Laboratory Medicine, University of Washington
Classification: Likely benign for Hereditary cancer-predisposing syndrome. Last evaluated: 2023-03-23. Review status: criteria provided, single submitter. Criteria: Dines et al. (Genet Med. 2020). Collection method: curation. Allele origin: germline.
Comment: Missense variant in a coldspot region where missense variants are very unlikely to be pathogenic (PMID:31911673).

BRCA1 coldspot (exon 11 using historical exon numbering). Reclassification based on statistical prior probability

Labcorp Genetics (formerly Invitae), Labcorp
Classification: Uncertain significance for Hereditary breast ovarian cancer syndrome. Last evaluated: 2022-08-23. Review status: criteria provided, single submitter. Criteria: Invitae Variant Classification Sherloc (09022015). Collection method: clinical testing. Allele origin: germline.
Comment: In summary, the available evidence is currently insufficient to determine the role of this variant in disease. Therefore, it has been classified as a Variant of Uncertain Significance. Advanced modeling of protein sequence and biophysical properties (such as structural, functional, and spatial information, amino acid conservation, physicochemical variation, residue mobility, and thermodynamic stability) performed at Invitae indicates that this missense variant is not expected to disrupt BRCA1 protein function. ClinVar contains an entry for this variant (Variation ID: 182157). This variant has not been reported in the literature in individuals affected with BRCA1-related conditions. This variant is not present in population databases (gnomAD no frequency). This sequence change replaces glutamic acid, which is acidic and polar, with lysine, which is basic and polar, at codon 1339 of the BRCA1 protein (p.Glu1339Lys).

Ambry Genetics
Classification: Uncertain significance for Hereditary cancer-predisposing syndrome. Last evaluated: 2018-11-29. Review status: criteria provided, single submitter. Criteria: Ambry Variant Classification Scheme 2023. Collection method: clinical testing. Allele origin: germline.
Comment: The p.E1339K variant (also known as c.4015G>A), located in coding exon 9 of the BRCA1 gene, results from a G to A substitution at nucleotide position 4015. The glutamic acid at codon 1339 is replaced by lysine, an amino acid with similar properties. This amino acid position is well conserved in available vertebrate species. In addition, the in silico prediction for this alteration is inconclusive. Since supporting evidence is limited at this time, the clinical significance of this alteration remains unclear.

GeneDx
Classification: Uncertain significance. Last evaluated: 2014-08-12. Review status: criteria provided, single submitter. Criteria: GeneDx Variant Classification (06012015). Collection method: clinical testing. Allele origin: germline. Affected: yes.
Comment: This variant is denoted BRCA1 c.4015G>A at the cDNA level, p.Glu1339Lys (E1339K) at the protein level, and results in the change of a Glutamic Acid to a Lysine (GAA>AAA). This variant has not, to our knowledge, been published in the literature as pathogenic or benign. BRCA1 Glu1339Lys was not observed in approximately 6,500 individuals of European and African American ancestry in the NHLBI Exome Sequencing Project, indicating it is not a common benign variant in these populations. Since Glutamic Acid and Lysine differ in polarity, charge, size or other properties, this is considered a non-conservative amino acid substitution. BRCA1 Glu1339Lys occurs at a position that is well conserved across mammals and is located within the SQ/TQ cluster domain (SCD), a region with preferred sites of phosphorylation by the ATM protein as well as the region of interaction with ATM, CHK2 and CDK2 (Narod 2004, Roy 2012). In silico analyses predict that this variant is unlikely to alter protein structure or function. Based on currently available information, it is unclear whether BRCA1 Glu1339Lys is pathogenic or benign. We consider it to be a variant of uncertain significance.

NM_007294.4(BRCA1):c.4015G>A (p.Glu1339Lys)

Genes: BRCA1 (BRCA1 DNA repair associated; minus strand), LOC126862571 (BRD4-independent group 4 enhancer GRCh37_chr17:41243136-41244335; plus strand). Cytogenetic location: 17q21.31.
Variant type: single nucleotide variant.
Coding change: c.4015G>A on transcript NM_007294.4 (MANE Select); coding-DNA position 4015, G replaced by A.
Protein change: p.Glu1339Lys; replaces glutamic acid 1339 with lysine.
Molecular consequence: missense variant. On other transcripts: intron variant (135).
Genome position (GRCh38, 1-based): chr17:43,091,516, C>T on the plus strand (G>A on the coding strand, the complement: BRCA1 is on the minus strand). VCF-style: chr17-43091516-C-T. GRCh37 (hg19) VCF-style: chr17-41243533-C-T.
Other names: p.E1339K:GAA>AAA; c.647-484G>A (NM_001408455.1, NM_001408466.1, NM_001408452.1 and 11 more transcripts); c.578-484G>A (NM_001408513.1, NM_001408489.1, NM_001408479.1 and 9 more transcripts); c.521-484G>A (NM_001408503.1, NM_001408505.1, NM_001408504.1); c.524-484G>A (NM_001408500.1, NM_001408497.1, NM_001408496.1 and 3 more transcripts); c.788-484G>A (NM_001407973.1, NM_001408403.1, NM_001407983.1 and 17 more transcripts); c.404-484G>A (NM_001408511.1); c.461-484G>A (NM_001408507.1, NM_001408506.1); and 42 more; short protein forms E1339K, E1292K, E1227K, E1250K, E1271K, E1297K, E1298K, E1312K.
Identifiers: ClinVar variation 182157 (VCV000182157.14), dbSNP rs80357021, ClinGen allele CA002567.